The following is an entry in ClinVar:

ClinVar aggregate classification (germline): Uncertain significance (1 of 4 stars; one submission).

gnomAD v4.1: 4 of 1,557,306 alleles (0.00026%); highest among the groups gnomAD compares: Admixed American, 0.0019%; no homozygotes.

Submission:

Labcorp Genetics (formerly Invitae), Labcorp
Classification: Uncertain significance. Last evaluated: 2025-03-19. Review status: criteria provided, single submitter. Criteria: Invitae Variant Classification Sherloc (09022015). Collection method: clinical testing. Allele origin: germline.
Comment: This sequence change replaces glycine, which is neutral and non-polar, with arginine, which is basic and polar, at codon 508 of the CACNA1D protein (p.Gly508Arg). The frequency data for this variant in the population databases is considered unreliable, as metrics indicate poor data quality at this position in the gnomAD database. This variant has not been reported in the literature in individuals affected with CACNA1D-related conditions. An algorithm developed to predict the effect of missense changes on protein structure and function (PolyPhen-2) suggests that this variant is likely to be tolerated. In summary, the available evidence is currently insufficient to determine the role of this variant in disease. Therefore, it has been classified as a Variant of Uncertain Significance.

NM_000720.4(CACNA1D):c.1522G>A (p.Gly508Arg)

Gene: CACNA1D (calcium voltage-gated channel subunit alpha1 D; plus strand). Cytogenetic location: 3p21.1.
Variant type: single nucleotide variant.
Coding change: c.1522G>A on transcript NM_000720.4 (MANE Plus Clinical); coding-DNA position 1522, G replaced by A.
Protein change: p.Gly508Arg; replaces glycine 508 with arginine.
Molecular consequence: missense variant. On other transcripts: intron variant (2).
Genome position (GRCh38, 1-based): chr3:53,718,725, G>A. VCF-style: chr3-53718725-G-A. GRCh37 (hg19) VCF-style: chr3-53752752-G-A.
Other names: c.1478+337G>A (NM_001128840.3, NM_001128839.3); short protein forms G508R.
Identifiers: ClinVar variation 4769136 (VCV004769136.1).